The following is an entry in ClinVar:

NM_002206.3(ITGA7):c.3199C>T (p.Arg1067Trp)

Gene: ITGA7 (integrin subunit alpha 7; minus strand). Cytogenetic location: 12q13.2.
Variant type: single nucleotide variant.
Coding change: c.3199C>T on transcript NM_002206.3 (MANE Select); coding-DNA position 3199, C replaced by T.
Protein change: p.Arg1067Trp; replaces arginine 1067 with tryptophan.
Molecular consequence: missense variant.
Genome position (GRCh38, 1-based): chr12:55,685,273, G>A on the plus strand (C>T on the coding strand, the complement: ITGA7 is on the minus strand). VCF-style: chr12-55685273-G-A. GRCh37 (hg19) VCF-style: chr12-56079057-G-A.
Other names: c.3199C>T (NM_002206.2); c.3211C>T, p.Arg1071Trp (NM_001144996.2); c.2920C>T, p.Arg974Trp (NM_001144997.2); c.2872C>T, p.Arg958Trp (NM_001367993.1); c.1855C>T, p.Arg619Trp (NM_001367994.1); c.3181C>T, p.Arg1061Trp (NM_001374465.1); c.3331C>T, p.Arg1111Trp (NM_001410977.1); c.3193C>T, p.Arg1065Trp (NM_001414029.1); and 6 more; short protein forms R619W, R958W, R974W, R1067W, R1061W, R1071W, R1111W, R1038W.
Identifiers: ClinVar variation 1468094 (VCV001468094.8), dbSNP rs367574217, ClinGen allele CA6615275.

ClinVar aggregate classification (germline): Uncertain significance. Review status: criteria provided, multiple submitters, no conflicts (2 of 4 stars). 2 submissions from 2 submitters: Uncertain significance (2). Last evaluated 2025-10-23.

Conditions:
Congenital muscular dystrophy due to integrin alpha-7 deficiency. Also called: MYOPATHY, CONGENITAL, DUE TO INTEGRIN ALPHA-7 DEFICIENCY; Congenital muscular dystrophy with integrin alpha-7 deficiency; Muscular dystrophy, congenital, due to ITGA7 deficiency. Identifiers: Orphanet 34520, MedGen C2750786, MONDO:0013177, OMIM 613204.

Allele frequency attached by ClinVar (database versions not stated): gnomAD exomes 0.00004; gnomAD 0.00005; ExAC 0.00007; TOPMed 0.00007; ESP Exome Variant Server 0.00008.
gnomAD v4.1: 55 of 1,614,090 alleles (0.0034%); highest among the groups gnomAD compares: African/African-American, 0.012%; 1 homozygote.

Submissions (2):

Ambry Genetics
Classification: Uncertain significance. Last evaluated: 2025-10-23. Review status: criteria provided, single submitter. Criteria: Ambry Variant Classification Scheme 2023. Collection method: clinical testing. Allele origin: germline.

Labcorp Genetics (formerly Invitae), Labcorp
Classification: Uncertain significance for Congenital muscular dystrophy due to integrin alpha-7 deficiency. Last evaluated: 2025-08-21. Review status: criteria provided, single submitter. Criteria: Invitae Variant Classification Sherloc (09022015). Collection method: clinical testing. Allele origin: germline.
Comment: This sequence change replaces arginine, which is basic and polar, with tryptophan, which is neutral and slightly polar, at codon 1067 of the ITGA7 protein (p.Arg1067Trp). This variant is present in population databases (rs367574217, gnomAD 0.01%). This variant has not been reported in the literature in individuals affected with ITGA7-related conditions. ClinVar contains an entry for this variant (Variation ID: 1468094). Invitae Evidence Modeling of protein sequence and biophysical properties (such as structural, functional, and spatial information, amino acid conservation, physicochemical variation, residue mobility, and thermodynamic stability) indicates that this missense variant is expected to disrupt ITGA7 protein function with a positive predictive value of 80%. In summary, the available evidence is currently insufficient to determine the role of this variant in disease. Therefore, it has been classified as a Variant of Uncertain Significance.